The following is an entry in ClinVar:

ClinVar aggregate classification (germline): Uncertain significance (1 of 4 stars; one submission).

Conditions:
Developmental delay with autism spectrum disorder and gait instability (MRT38). Also called: Intellectual developmental disorder, autosomal recessive 38. Identifiers: Orphanet 329195, MedGen C3809753, MONDO:0014224, OMIM 615516.

Submission:

Baylor Genetics
Classification: Uncertain significance for Developmental delay with autism spectrum disorder and gait instability. Last evaluated: 2019-02-26. Review status: criteria provided, single submitter. Criteria: ACMG Guidelines, 2015. Collection method: clinical testing. Allele origin: maternal. Affected: yes.
Comment: This variant was determined to be of uncertain significance according to ACMG Guidelines, 2015 [PMID:25741868].

NM_004667.6(HERC2):c.13861C>T (p.His4621Tyr)

Gene: HERC2 (HECT and RLD domain containing E3 ubiquitin protein ligase 2; minus strand). Cytogenetic location: 15q13.1.
Variant type: single nucleotide variant.
Coding change: c.13861C>T on transcript NM_004667.6 (MANE Select); coding-DNA position 13861, C replaced by T.
Protein change: p.His4621Tyr; replaces histidine 4621 with tyrosine.
Molecular consequence: missense variant.
Genome position (GRCh38, 1-based): chr15:28,114,664, G>A on the plus strand (C>T on the coding strand, the complement: HERC2 is on the minus strand). VCF-style: chr15-28114664-G-A. GRCh37 (hg19) VCF-style: chr15-28359810-G-A.
Other names: short protein forms H4621Y.
Identifiers: ClinVar variation 1028800 (VCV001028800.1), dbSNP rs1888024356, ClinGen allele CA391369287.